The following is an entry in ClinVar:

NM_004357.5(CD151):c.702+5G>C

Gene: CD151 (CD151 molecule (Raph blood group); plus strand). Cytogenetic location: 11p15.5.
Variant type: single nucleotide variant.
Coding change: c.702+5G>C on transcript NM_004357.5 (MANE Select); 5 bases into the intron after coding-DNA position 702, G replaced by C.
Molecular consequence: intron variant.
Genome position (GRCh38, 1-based): chr11:838,033, G>C. VCF-style: chr11-838033-G-C. GRCh37 (hg19) VCF-style: chr11-838033-G-C.
Other names: c.702+5G>C (NM_139030.4, NM_139029.2, NM_001039490.2).
Identifiers: ClinVar variation 3574105 (VCV003574105.3).

ClinVar aggregate classification (germline): Uncertain significance. Review status: criteria provided, multiple submitters, no conflicts (2 of 4 stars). 2 submissions from 2 submitters: Uncertain significance (2). Last evaluated 2024-07-01.

Conditions:
Epidermolysis bullosa simplex 7, with nephropathy and deafness. Also called: Nephrotic syndrome - deafness - pretibial epidermolysis bullosa syndrome; Nephropathy with Pretibial Epidermolysis Bullosa and Deafness. Identifiers: Orphanet 300333, MedGen C1836823, MONDO:0012190, OMIM 609057.
RAPH BLOOD GROUP SYSTEM. Also called: MER2 BLOOD CELL ANTIGEN EXPRESSION. Identifiers: MedGen C1867341, OMIM 179620.

gnomAD v4.1: 4 of 1,612,180 alleles (0.00025%); highest among the groups gnomAD compares: Non-Finnish European, 0.00034%; no homozygotes.

Submissions (2):

Labcorp Genetics (formerly Invitae), Labcorp
Classification: Uncertain significance. Last evaluated: 2024-07-01. Review status: criteria provided, single submitter. Criteria: Invitae Variant Classification Sherloc (09022015). Collection method: clinical testing. Allele origin: germline.
Comment: This sequence change falls in intron 8 of the CD151 gene. It does not directly change the encoded amino acid sequence of the CD151 protein. It affects a nucleotide within the consensus splice site. This variant is not present in population databases (gnomAD no frequency). This variant has not been reported in the literature in individuals affected with CD151-related conditions. Variants that disrupt the consensus splice site are a relatively common cause of aberrant splicing (PMID: 17576681, 9536098). Algorithms developed to predict the effect of sequence changes on RNA splicing suggest that this variant is not likely to affect RNA splicing. In summary, the available evidence is currently insufficient to determine the role of this variant in disease. Therefore, it has been classified as a Variant of Uncertain Significance.

Fulgent Genetics
Classification: Uncertain significance for RAPH BLOOD GROUP SYSTEM; Epidermolysis bullosa simplex 7, with nephropathy and deafness. Last evaluated: 2024-02-20. Review status: criteria provided, single submitter. Criteria: ACMG Guidelines, 2015. Collection method: clinical testing. Allele origin: germline.

Literature cited by the submitters: PubMed 17576681 (cited by Labcorp Genetics (formerly Invitae), Labcorp); PubMed 9536098 (cited by Labcorp Genetics (formerly Invitae), Labcorp).